The following is an entry in ClinVar:

NM_001130987.2(DYSF):c.3757-2A>G

Gene: DYSF (dysferlin; plus strand). Cytogenetic location: 2p13.2.
Variant type: single nucleotide variant.
Coding change: c.3757-2A>G on transcript NM_001130987.2 (MANE Select); the canonical splice acceptor site of the intron before coding-DNA position 3757, A replaced by G.
Molecular consequence: splice acceptor variant.
Genome position (GRCh38, 1-based): chr2:71,600,700, A>G. VCF-style: chr2-71600700-A-G. GRCh37 (hg19) VCF-style: chr2-71827830-A-G.
Other names: c.3796-2A>G (NM_001130979.2); c.3754-2A>G (NM_001130981.2, NM_001130980.2); c.3703-2A>G (NM_001130978.2, NM_003494.4); c.3661-2A>G (NM_001130977.2, NM_001130976.2); c.3799-2A>G (NM_001130982.2); c.3757-2A>G (NM_001130985.2); c.3706-2A>G (NM_001130983.2, NM_001130455.2); c.3664-2A>G (NM_001130984.2, NM_001130986.2).
Identifiers: ClinVar variation 285590 (VCV000285590.6), dbSNP rs886043149, ClinGen allele CA10605171.

ClinVar aggregate classification (germline): Pathogenic/Likely pathogenic. Review status: criteria provided, multiple submitters, no conflicts (2 of 4 stars). 2 submissions from 2 submitters: Pathogenic (1); Likely pathogenic (1). Last evaluated 2025-04-10.

Conditions:
Neuromuscular disease caused by qualitative or quantitative defects of dysferlin. Also called: Dysferlinopathy; Qualitative or quantitative defects of dysferlin. Identifiers: Orphanet 207073, MedGen C2931687, MONDO:0016145.

Submissions (2):

Labcorp Genetics (formerly Invitae), Labcorp
Classification: Likely pathogenic for Neuromuscular disease caused by qualitative or quantitative defects of dysferlin. Last evaluated: 2025-04-10. Review status: criteria provided, single submitter. Criteria: Invitae Variant Classification Sherloc (09022015). Collection method: clinical testing. Allele origin: germline.
Comment: This sequence change affects an acceptor splice site in intron 33 of the DYSF gene. It is expected to disrupt RNA splicing. Variants that disrupt the donor or acceptor splice site typically lead to a loss of protein function (PMID: 16199547), and loss-of-function variants in DYSF are known to be pathogenic (PMID: 17698709, 20301480). This variant is not present in population databases (gnomAD no frequency). This variant has not been reported in the literature in individuals affected with DYSF-related conditions. ClinVar contains an entry for this variant (Variation ID: 285590). Algorithms developed to predict the effect of sequence changes on RNA splicing suggest that this variant may disrupt the consensus splice site. In summary, the currently available evidence indicates that the variant is pathogenic, but additional data are needed to prove that conclusively. Therefore, this variant has been classified as Likely Pathogenic.

Eurofins Ntd Llc (ga)
Classification: Pathogenic. Last evaluated: 2016-01-21. Review status: criteria provided, single submitter. Criteria: EGL Classification Definitions 2015. Collection method: clinical testing. Allele origin: germline. Observed: 3 variant alleles, 3 heterozygotes.

Literature cited by the submitters: PubMed 16199547 (cited by Labcorp Genetics (formerly Invitae), Labcorp); PubMed 17698709 (cited by Labcorp Genetics (formerly Invitae), Labcorp); PubMed 20301480 (cited by Labcorp Genetics (formerly Invitae), Labcorp).